The following is an entry in ClinVar:

ClinVar aggregate classification (germline): Likely benign (1 of 4 stars; one submission).

Submission:

CeGaT Center for Human Genetics Tuebingen
Classification: Likely benign. Last evaluated: 2023-04-01. Review status: criteria provided, single submitter. Criteria: CeGaT Center For Human Genetics Tuebingen Variant Classification Criteria Version 2. Collection method: clinical testing. Allele origin: germline. Affected: yes. Observed: 1 variant allele.
Comment: MUC4: BS2

NM_018406.7(MUC4):c.11882_11929del (p.Val3961_Ser3976del)

Gene: MUC4 (mucin 4, cell surface associated). Cytogenetic location: 3q29.
Variant type: Deletion.
Coding change: c.11882_11929del on transcript NM_018406.7 (MANE Select); coding-DNA positions 11882 to 11929, 48 bases deleted.
Protein change: p.Val3961_Ser3976del.
Molecular consequence: inframe deletion. On other transcripts: genic upstream transcript variant (2).
Genome position: GRCh38: chr3:195,779,659-195,779,706. GRCh37 (hg19): chr3:195,506,530-195,506,577.
Other names: c.83-5393_83-5346del (NM_138297.5); c.83-1243_83-1196del (NM_004532.6).
Identifiers: ClinVar variation 2654400 (VCV002654400.24), dbSNP rs755883149, ClinGen allele CA2769164.